The following is an entry in ClinVar:

ClinVar aggregate classification (germline): Uncertain significance (1 of 4 stars; one submission).

Allele frequency attached by ClinVar (database versions not stated): gnomAD exomes below 0.00001.
gnomAD v4.1: 1 of 1,607,868 alleles (0.000062%); highest among the groups gnomAD compares: Non-Finnish European, 0.000085%; no homozygotes.

Submission:

Ambry Genetics
Classification: Uncertain significance. Last evaluated: 2021-12-07. Review status: criteria provided, single submitter. Criteria: Ambry Variant Classification Scheme 2023. Collection method: clinical testing. Allele origin: germline.
Comment: The p.Q816H variant (also known as c.2448G>T), located in coding exon 20 of the BUB1 gene, results from a G to T substitution at nucleotide position 2448. The glutamine at codon 816 is replaced by histidine, an amino acid with highly similar properties. This amino acid position is conserved. In addition, this alteration is predicted to be tolerated by in silico analysis. Since supporting evidence is limited at this time, the clinical significance of this alteration remains unclear.

NM_004336.5(BUB1):c.2448G>T (p.Gln816His)

Gene: BUB1 (BUB1 mitotic checkpoint serine/threonine kinase; minus strand). Cytogenetic location: 2q13.
Variant type: single nucleotide variant.
Coding change: c.2448G>T on transcript NM_004336.5 (MANE Select); coding-DNA position 2448, G replaced by T.
Protein change: p.Gln816His; replaces glutamine 816 with histidine.
Molecular consequence: missense variant.
Genome position (GRCh38, 1-based): chr2:110,642,134, C>A on the plus strand (G>T on the coding strand, the complement: BUB1 is on the minus strand). VCF-style: chr2-110642134-C-A. GRCh37 (hg19) VCF-style: chr2-111399711-C-A.
Other names: c.2388G>T, p.Gln796His (NM_001278616.2); c.2448G>T, p.Gln816His (NM_001278617.2); short protein forms Q816H, Q796H.
Identifiers: ClinVar variation 1791427 (VCV001791427.2), dbSNP rs1374654770, ClinGen allele CA348090828.